The following is an entry in ClinVar:

NM_003482.4(KMT2D):c.2102C>T (p.Pro701Leu)

Gene: KMT2D (lysine methyltransferase 2D; minus strand). Cytogenetic location: 12q13.12.
Variant type: single nucleotide variant.
Coding change: c.2102C>T on transcript NM_003482.4 (MANE Select); coding-DNA position 2102, C replaced by T.
Protein change: p.Pro701Leu; replaces proline 701 with leucine.
Molecular consequence: missense variant.
Genome position (GRCh38, 1-based): chr12:49,051,581, G>A on the plus strand (C>T on the coding strand, the complement: KMT2D is on the minus strand). VCF-style: chr12-49051581-G-A. GRCh37 (hg19) VCF-style: chr12-49445364-G-A.
Other names: short protein forms P701L.
Identifiers: ClinVar variation 2145773 (VCV002145773.4), dbSNP rs760906471, ClinGen allele CA384668623.

ClinVar aggregate classification (germline): Uncertain significance (1 of 4 stars; one submission).

Conditions:
Kabuki syndrome. Also called: NIIKAWA-KUROKI SYNDROME; Kabuki make-up syndrome. Identifiers: Orphanet 2322, MedGen C0796004, MONDO:0016512.

gnomAD v4.1: 4 of 1,601,392 alleles (0.00025%); highest among the groups gnomAD compares: Non-Finnish European, 0.00034%; no homozygotes.

Submission:

Labcorp Genetics (formerly Invitae), Labcorp
Classification: Uncertain significance for Kabuki syndrome. Last evaluated: 2022-12-22. Review status: criteria provided, single submitter. Criteria: Invitae Variant Classification Sherloc (09022015). Collection method: clinical testing. Allele origin: germline.
Comment: In summary, the available evidence is currently insufficient to determine the role of this variant in disease. Therefore, it has been classified as a Variant of Uncertain Significance. Advanced modeling of protein sequence and biophysical properties (such as structural, functional, and spatial information, amino acid conservation, physicochemical variation, residue mobility, and thermodynamic stability) performed at Invitae indicates that this missense variant is not expected to disrupt KMT2D protein function. This variant has not been reported in the literature in individuals affected with KMT2D-related conditions. This variant is not present in population databases (gnomAD no frequency). This sequence change replaces proline, which is neutral and non-polar, with leucine, which is neutral and non-polar, at codon 701 of the KMT2D protein (p.Pro701Leu).